The following is an entry in ClinVar:

NM_006885.4(ZFHX3):c.5255T>A (p.Val1752Asp)

Genes: ZFHX3 (zinc finger homeobox 3; minus strand), ZFHX3-AS1 (ZFHX3 antisense RNA 1; plus strand). Cytogenetic location: 16q22.2.
Variant type: single nucleotide variant.
Coding change: c.5255T>A on transcript NM_006885.4 (MANE Select); coding-DNA position 5255, T replaced by A.
Protein change: p.Val1752Asp; replaces valine 1752 with aspartic acid.
Molecular consequence: missense variant.
Genome position (GRCh38, 1-based): chr16:72,797,427, A>T on the plus strand (T>A on the coding strand, the complement: ZFHX3 is on the minus strand). VCF-style: chr16-72797427-A-T. GRCh37 (hg19) VCF-style: chr16-72831326-A-T.
Other names: c.2513T>A, p.Val838Asp (NM_001164766.2); c.5255T>A, p.Val1752Asp (NM_001386735.1); short protein forms V1752D, V838D.
Identifiers: ClinVar variation 3369015 (VCV003369015.1).

ClinVar aggregate classification (germline): Uncertain significance (1 of 4 stars; one submission).

Submission:

GeneDx
Classification: Uncertain significance. Last evaluated: 2024-02-08. Review status: criteria provided, single submitter. Criteria: GeneDx Variant Classification Process June 2021. Collection method: clinical testing. Allele origin: germline. Affected: yes.
Comment: Not observed at significant frequency in large population cohorts (gnomAD); In silico analysis supports that this missense variant has a deleterious effect on protein structure/function; Has not been previously published as pathogenic or benign to our knowledge; Variants in candidate genes are classified as variants of uncertain significance in accordance with ACMG guidelines (PMID: 25741868)